The following is an entry in ClinVar:

NM_000222.3(KIT):c.2645T>C (p.Met882Thr)

Gene: KIT (KIT proto-oncogene, receptor tyrosine kinase; plus strand). Cytogenetic location: 4q12.
Variant type: single nucleotide variant.
Coding change: c.2645T>C on transcript NM_000222.3 (MANE Select); coding-DNA position 2645, T replaced by C.
Protein change: p.Met882Thr; replaces methionine 882 with threonine.
Molecular consequence: missense variant.
Genome position (GRCh38, 1-based): chr4:54,736,769, T>C. VCF-style: chr4-54736769-T-C. GRCh37 (hg19) VCF-style: chr4-55602935-T-C.
Other names: c.2633T>C, p.Met878Thr (NM_001093772.2, NM_001385292.1); c.2648T>C, p.Met883Thr (NM_001385284.1); c.2642T>C, p.Met881Thr (NM_001385285.1); c.2630T>C, p.Met877Thr (NM_001385286.1); c.2636T>C, p.Met879Thr (NM_001385288.1); c.2645T>C, p.Met882Thr (NM_001385290.1); short protein forms M878T, M883T, M877T, M881T, M879T, M882T.
Identifiers: ClinVar variation 2123128 (VCV002123128.4), dbSNP rs2475583780, ClinGen allele CA356913873.

ClinVar aggregate classification (germline): Uncertain significance (1 of 4 stars; one submission).

Conditions:
Gastrointestinal stromal tumor. Also called: Gastrointestinal stroma tumor; Gastrointestinal stromal tumor, somatic. Identifiers: Orphanet 44890, MedGen C0238198, MeSH D046152, MONDO:0011719, OMIM 606764, HP:0100723.

Submission:

Labcorp Genetics (formerly Invitae), Labcorp
Classification: Uncertain significance for Gastrointestinal stromal tumor. Last evaluated: 2022-04-08. Review status: criteria provided, single submitter. Criteria: Invitae Variant Classification Sherloc (09022015). Collection method: clinical testing. Allele origin: germline.
Comment: In summary, the available evidence is currently insufficient to determine the role of this variant in disease. Therefore, it has been classified as a Variant of Uncertain Significance. Algorithms developed to predict the effect of missense changes on protein structure and function (SIFT, PolyPhen-2, Align-GVGD) all suggest that this variant is likely to be disruptive. This variant has not been reported in the literature in individuals affected with KIT-related conditions. This variant is not present in population databases (gnomAD no frequency). This sequence change replaces methionine, which is neutral and non-polar, with threonine, which is neutral and polar, at codon 882 of the KIT protein (p.Met882Thr).